The following is an entry in ClinVar:

ClinVar aggregate classification (germline): Uncertain significance (1 of 4 stars; one submission).

Conditions:
Facioscapulohumeral muscular dystrophy 2 (FSHD2). Also called: MUSCULAR DYSTROPHY, FACIOSCAPULOHUMERAL, TYPE 1B; FACIOSCAPULOHUMERAL MUSCULAR DYSTROPHY 2, DIGENIC; FSHD2, DIGENIC. Identifiers: Orphanet 269, MedGen C1834671, MONDO:0008031, OMIM 158901.

Allele frequency attached by ClinVar (database versions not stated): gnomAD 0.00001; TOPMed 0.00002.

Submission:

Labcorp Genetics (formerly Invitae), Labcorp
Classification: Uncertain significance for Facioscapulohumeral muscular dystrophy 2. Last evaluated: 2022-03-18. Review status: criteria provided, single submitter. Criteria: Invitae Variant Classification Sherloc (09022015). Collection method: clinical testing. Allele origin: germline.
Comment: In summary, the available evidence is currently insufficient to determine the role of this variant in disease. Therefore, it has been classified as a Variant of Uncertain Significance. Algorithms developed to predict the effect of missense changes on protein structure and function are either unavailable or do not agree on the potential impact of this missense change (SIFT: "Deleterious"; PolyPhen-2: "Possibly Damaging"; Align-GVGD: "Class C0"). This variant has not been reported in the literature in individuals affected with SMCHD1-related conditions. This variant is not present in population databases (gnomAD no frequency). This sequence change replaces methionine, which is neutral and non-polar, with isoleucine, which is neutral and non-polar, at codon 1073 of the SMCHD1 protein (p.Met1073Ile).

NM_015295.3(SMCHD1):c.3219G>A (p.Met1073Ile)

Gene: SMCHD1 (structural maintenance of chromosomes flexible hinge domain containing 1; plus strand). Cytogenetic location: 18p11.32.
Variant type: single nucleotide variant.
Coding change: c.3219G>A on transcript NM_015295.3 (MANE Select); coding-DNA position 3219, G replaced by A.
Protein change: p.Met1073Ile; replaces methionine 1073 with isoleucine.
Molecular consequence: missense variant.
Genome position (GRCh38, 1-based): chr18:2,732,435, G>A. VCF-style: chr18-2732435-G-A. GRCh37 (hg19) VCF-style: chr18-2732433-G-A.
Other names: short protein forms M1073I.
Identifiers: ClinVar variation 2177826 (VCV002177826.4), dbSNP rs1370032848, ClinGen allele CA401685893.
Genomic context (GRCh38, chr18:2,732,435, plus strand): 5'-ACATCAGGATGAGGTTAATTGGATAGCGGGTGATATTATGCATAATCTTATTTTTCAAAT[G>A]TATGATGAAGGAGAAAGAGAAATCAATATAACATCAGCTTTAGCAGAAAAAATTAAAGTA-3'
Protein context (NP_056110.2, residues 1063-1083): GDIMHNLIFQ[Met1073Ile]YDEGEREINI